The following is an entry in ClinVar:

NM_016507.4(CDK12):c.1841C>G (p.Ser614Cys)

Gene: CDK12 (cyclin dependent kinase 12; plus strand). Cytogenetic location: 17q12.
Variant type: single nucleotide variant.
Coding change: c.1841C>G on transcript NM_016507.4 (MANE Select); coding-DNA position 1841, C replaced by G.
Protein change: p.Ser614Cys; replaces serine 614 with cysteine.
Molecular consequence: missense variant.
Genome position (GRCh38, 1-based): chr17:39,471,673, C>G. VCF-style: chr17-39471673-C-G. GRCh37 (hg19) VCF-style: chr17-37627926-C-G.
Other names: c.1841C>G, p.Ser614Cys (NM_015083.4); short protein forms S614C.
Identifiers: ClinVar variation 3830461 (VCV003830461.1).

ClinVar aggregate classification (germline): Uncertain significance (1 of 4 stars; one submission).

Submission:

Ambry Genetics
Classification: Uncertain significance. Last evaluated: 2025-01-06. Review status: criteria provided, single submitter. Criteria: Ambry Variant Classification Scheme 2023. Collection method: clinical testing. Allele origin: germline.
Comment: The p.S614C variant (also known as c.1841C>G), located in coding exon 2 of the CDK12 gene, results from a C to G substitution at nucleotide position 1841. The serine at codon 614 is replaced by cysteine, an amino acid with dissimilar properties. This amino acid position is conserved. In addition, the in silico prediction for this alteration is inconclusive. Based on the available evidence, the clinical significance of this variant remains unclear.